The following is an entry in ClinVar:

NM_145167.3(PIGM):c.455C>T (p.Ser152Phe)

Gene: PIGM (phosphatidylinositol glycan anchor biosynthesis class M; minus strand). Cytogenetic location: 1q23.2.
Variant type: single nucleotide variant.
Coding change: c.455C>T on transcript NM_145167.3 (MANE Select); coding-DNA position 455, C replaced by T.
Protein change: p.Ser152Phe; replaces serine 152 with phenylalanine.
Molecular consequence: missense variant.
Genome position (GRCh38, 1-based): chr1:160,031,285, G>A on the plus strand (C>T on the coding strand, the complement: PIGM is on the minus strand). VCF-style: chr1-160031285-G-A. GRCh37 (hg19) VCF-style: chr1-160001075-G-A.
Other names: short protein forms S152F.
Identifiers: ClinVar variation 4136578 (VCV004136578.2).

ClinVar aggregate classification (germline): Uncertain significance. Review status: criteria provided, multiple submitters, no conflicts (2 of 4 stars). 2 submissions from 2 submitters: Uncertain significance (2). Last evaluated 2025-08-28.

Conditions:
Hypercoagulability syndrome due to glycosylphosphatidylinositol deficiency (GPIBD1). Also called: GLYCOSYLPHOSPHATIDYLINOSITOL BIOSYNTHESIS DEFECT 1. Identifiers: Orphanet 83639, MedGen C5201145, MONDO:0012465, OMIM 610293.

Submissions (2):

Ambry Genetics
Classification: Uncertain significance. Last evaluated: 2025-08-28. Review status: criteria provided, single submitter. Criteria: Ambry Variant Classification Scheme 2023. Collection method: clinical testing. Allele origin: germline.

Labcorp Genetics (formerly Invitae), Labcorp
Classification: Uncertain significance for Hypercoagulability syndrome due to glycosylphosphatidylinositol deficiency. Last evaluated: 2025-01-27. Review status: criteria provided, single submitter. Criteria: Invitae Variant Classification Sherloc (09022015). Collection method: clinical testing. Allele origin: germline.
Comment: This sequence change replaces serine, which is neutral and polar, with phenylalanine, which is neutral and non-polar, at codon 152 of the PIGM protein (p.Ser152Phe). This variant is present in population databases (no rsID available, gnomAD 0.0009%). This variant has not been reported in the literature in individuals affected with PIGM-related conditions. Invitae Evidence Modeling of protein sequence and biophysical properties (such as structural, functional, and spatial information, amino acid conservation, physicochemical variation, residue mobility, and thermodynamic stability) indicates that this missense variant is not expected to disrupt PIGM protein function with a negative predictive value of 80%. In summary, the available evidence is currently insufficient to determine the role of this variant in disease. Therefore, it has been classified as a Variant of Uncertain Significance.